The following is an entry in ClinVar:

NM_001605.3(AARS1):c.2328C>T (p.Val776=)

Gene: AARS1 (alanyl-tRNA synthetase 1; minus strand). Cytogenetic location: 16q22.1.
Variant type: single nucleotide variant.
Coding change: c.2328C>T on transcript NM_001605.3 (MANE Select); coding-DNA position 2328, C replaced by T.
Protein change: p.Val776=; no amino-acid change (valine 776 retained).
Molecular consequence: synonymous variant.
Genome position (GRCh38, 1-based): chr16:70,254,693, G>A on the plus strand (C>T on the coding strand, the complement: AARS1 is on the minus strand). VCF-style: chr16-70254693-G-A. GRCh37 (hg19) VCF-style: chr16-70288596-G-A.
Identifiers: ClinVar variation 476739 (VCV000476739.13), dbSNP rs146969194, ClinGen allele CA8140462.

ClinVar aggregate classification (germline): Likely benign. Review status: criteria provided, multiple submitters, no conflicts (2 of 4 stars). 3 submissions from 3 submitters: Likely benign (3). Last evaluated 2025-10-17.

Conditions:
Inborn genetic diseases. Identifiers: MedGen C0950123, MeSH D030342.
Charcot-Marie-Tooth disease type 2. Also called: Charcot-Marie-Tooth type 2. Identifiers: Orphanet 64746, MedGen C0270914, MONDO:0018993.

Allele frequency attached by ClinVar (database versions not stated): gnomAD exomes 0.00001 and below 0.00001; ESP Exome Variant Server 0.00008; ExAC 0.00001.
gnomAD v4.1: 3 of 1,614,056 alleles (0.00019%); highest among the groups gnomAD compares: Non-Finnish European, 0.00025%; no homozygotes.

Submissions (3):

Women's Health and Genetics/Laboratory Corporation of America, LabCorp
Classification: Likely benign. Last evaluated: 2025-10-17. Review status: criteria provided, single submitter. Criteria: LabCorp Variant Classification Summary - May 2015. Collection method: clinical testing. Allele origin: germline.
Comment: Variant summary: AARS1 c.2328C>T alters a non-conserved nucleotide resulting in a synonymous change. Consensus agreement among computation tools predict no significant impact on normal splicing. However, these predictions have yet to be confirmed by functional studies. The variant allele was found at a frequency of 1.9e-06 in 1614056 control chromosomes. The available data on variant occurrences in the general population are insufficient to allow any conclusion about variant significance. To our knowledge, no occurrence of c.2328C>T in individuals affected with AARS1-related conditions and no experimental evidence demonstrating its impact on protein function have been reported. ClinVar contains an entry for this variant (Variation ID: 476739). Based on the evidence outlined above, the variant was classified as likely benign.

Labcorp Genetics (formerly Invitae), Labcorp
Classification: Likely benign for Charcot-Marie-Tooth disease type 2. Last evaluated: 2024-10-18. Review status: criteria provided, single submitter. Criteria: Invitae Variant Classification Sherloc (09022015). Collection method: clinical testing. Allele origin: germline.

Ambry Genetics
Classification: Likely benign for Inborn genetic diseases. Last evaluated: 2019-07-11. Review status: criteria provided, single submitter. Criteria: Ambry Variant Classification Scheme 2023. Collection method: clinical testing. Allele origin: germline.